The following is an entry in ClinVar:

Conditions:
Arteriohepatic dysplasia. Also called: Alagille Syndrome. Identifiers: Orphanet 52, MedGen C0085280, MeSH D016738, MONDO:0007318.

Submission:

Gilbert/Spinner Lab, Children's Hospital of Philadelphia
No classification provided (evidence only). Condition: Alagille syndrome. Review status: no classification provided. Collection method: research. Allele origin: not applicable. Functional consequence: functionally_abnormal.
ClinVar note: "not provided" was previously submitted as the classification for the variant. However, the classification appeared to be based only on an observation of functional data so it was converted to no classification on 2025-07-30.

NM_000214.3(JAG1):c.793T>A (p.Cys265Ser)

Gene: JAG1 (jagged canonical Notch ligand 1; minus strand). Cytogenetic location: 20p12.2.
Variant type: single nucleotide variant.
Coding change: c.793T>A on transcript NM_000214.3 (MANE Select); coding-DNA position 793, T replaced by A.
Protein change: p.Cys265Ser; replaces cysteine 265 with serine.
Molecular consequence: missense variant.
Genome position (GRCh38, 1-based): chr20:10,652,561, A>T on the plus strand (T>A on the coding strand, the complement: JAG1 is on the minus strand). VCF-style: chr20-10652561-A-T. GRCh37 (hg19) VCF-style: chr20-10633209-A-T.
Other names: short protein forms C265S.
Identifiers: ClinVar variation 3573102 (VCV003573102.2).